The following is an entry in ClinVar:

ClinVar aggregate classification (germline): Uncertain significance. Review status: criteria provided, multiple submitters, no conflicts (2 of 4 stars). 2 submissions from 2 submitters: Uncertain significance (2). Last evaluated 2025-12-04.

Conditions:
Cardiovascular phenotype. Identifiers: MedGen CN230736.
Hypertrophic cardiomyopathy 14. Identifiers: MedGen C2750467, MONDO:0013197, OMIM 613251.

Allele frequency attached by ClinVar (database versions not stated): gnomAD exomes below 0.00001; TOPMed 0.00001.
gnomAD v4.1: 4 of 1,614,082 alleles (0.00025%); highest among the groups gnomAD compares: South Asian, 0.0022%; no homozygotes.

Submissions (2):

Labcorp Genetics (formerly Invitae), Labcorp
Classification: Uncertain significance for Hypertrophic cardiomyopathy 14. Last evaluated: 2025-12-04. Review status: criteria provided, single submitter. Criteria: Invitae Variant Classification Sherloc (09022015). Collection method: clinical testing. Allele origin: germline.
Comment: This sequence change replaces threonine, which is neutral and polar, with isoleucine, which is neutral and non-polar, at codon 981 of the MYH6 protein (p.Thr981Ile). This variant is not present in population databases (gnomAD no frequency). This variant has not been reported in the literature in individuals affected with MYH6-related conditions. ClinVar contains an entry for this variant (Variation ID: 2417071). Invitae Evidence Modeling of protein sequence and biophysical properties (such as structural, functional, and spatial information, amino acid conservation, physicochemical variation, residue mobility, and thermodynamic stability) indicates that this missense variant is expected to disrupt MYH6 protein function with a positive predictive value of 80%. In summary, the available evidence is currently insufficient to determine the role of this variant in disease. Therefore, it has been classified as a Variant of Uncertain Significance.

Ambry Genetics
Classification: Uncertain significance for Cardiovascular phenotype. Last evaluated: 2025-02-22. Review status: criteria provided, single submitter. Criteria: Ambry Variant Classification Scheme 2023. Collection method: clinical testing. Allele origin: germline.
Comment: The p.T981I variant (also known as c.2942C>T), located in coding exon 21 of the MYH6 gene, results from a C to T substitution at nucleotide position 2942. The threonine at codon 981 is replaced by isoleucine, an amino acid with similar properties. This amino acid position is conserved. In addition, the in silico prediction for this alteration is inconclusive. Based on the available evidence, the clinical significance of this variant remains unclear.

NM_002471.4(MYH6):c.2942C>T (p.Thr981Ile)

Gene: MYH6 (myosin heavy chain 6; minus strand). Cytogenetic location: 14q11.2.
Variant type: single nucleotide variant.
Coding change: c.2942C>T on transcript NM_002471.4 (MANE Select); coding-DNA position 2942, C replaced by T.
Protein change: p.Thr981Ile; replaces threonine 981 with isoleucine.
Molecular consequence: missense variant.
Genome position (GRCh38, 1-based): chr14:23,393,505, G>A on the plus strand (C>T on the coding strand, the complement: MYH6 is on the minus strand). VCF-style: chr14-23393505-G-A. GRCh37 (hg19) VCF-style: chr14-23862714-G-A.
Other names: short protein forms T981I.
Identifiers: ClinVar variation 2417071 (VCV002417071.7), dbSNP rs1209268771, ClinGen allele CA389011440.
Genomic context (GRCh38, chr14:23,393,505, plus strand): 5'-AGAGCTTTCTTCTCCTTGGTCAGCTTAGCGATGATTTCATCCAGCCCAGCCATCTCCTCT[G>A]TTAGGTTCTTCACCTGCCGACCAAAAACCCATCCCCTTTAGGGTCAAAGATCACCAGCCT-3'
Protein context (NP_002462.2, residues 971-991): HATENKVKNL[Thr981Ile]EEMAGLDEII